The following is an entry in ClinVar:

NM_000018.4(ACADVL):c.758G>A (p.Gly253Glu)

Gene: ACADVL (acyl-CoA dehydrogenase very long chain; plus strand). Cytogenetic location: 17p13.1.
Variant type: single nucleotide variant.
Coding change: c.758G>A on transcript NM_000018.4 (MANE Select); coding-DNA position 758, G replaced by A.
Protein change: p.Gly253Glu; replaces glycine 253 with glutamic acid.
Molecular consequence: missense variant.
Genome position (GRCh38, 1-based): chr17:7,222,182, G>A. VCF-style: chr17-7222182-G-A. GRCh37 (hg19) VCF-style: chr17-7125501-G-A.
Other names: c.692G>A, p.Gly231Glu (NM_001033859.3); c.827G>A, p.Gly276Glu (NM_001270447.2); c.530G>A, p.Gly177Glu (NM_001270448.2); short protein forms G253E, G177E, G276E, G231E.
Identifiers: ClinVar variation 932751 (VCV000932751.2), dbSNP rs2071263753, ClinGen allele CA397723629.

ClinVar aggregate classification (germline): Uncertain significance (1 of 4 stars; one submission).

Conditions:
Very long chain acyl-CoA dehydrogenase deficiency (ACADVLD). Also called: Very Long-Chain Acyl-Coenzyme A Dehydrogenase Deficiency; VLCAD Deficiency. Identifiers: Orphanet 26793, MedGen C3887523, MONDO:0008723, OMIM 201475.

Submission:

Wong Mito Lab, Molecular and Human Genetics, Baylor College of Medicine
Classification: Uncertain significance for Very long chain acyl-CoA dehydrogenase deficiency. Last evaluated: 2019-11-01. Review status: criteria provided, single submitter. Criteria: ACMG Guidelines, 2015. Collection method: clinical testing. Allele origin: germline.
Comment: The NM_000018.3:c.758G>A (NP_000009.1:p.Gly253Glu) [GRCH38: NC_000017.11:g.7222182G>A] variant in ACADVL gene is interpretated to be Uncertain Significance based on ACMG guidelines (PMID: 25741868). This variant has been reported. This variant meets the following evidence codes reported in the ACMG guidelines: PP3